The following is an entry in ClinVar:

ClinVar aggregate classification (germline): Likely pathogenic (1 of 4 stars; one submission).

Conditions:
Intellectual developmental disorder, X-linked 21. Also called: MENTAL RETARDATION, X-LINKED 34; Intellectual disability, X-linked 21; Mental retardation, X-linked 21/34. Identifiers: Orphanet 777, MedGen C5551510, MONDO:0010256, OMIM 300143.

Submission:

3billion
Classification: Likely pathogenic for Intellectual developmental disorder, X-linked 21. Last evaluated: 2021-10-02. Review status: criteria provided, single submitter. Criteria: ACMG Guidelines, 2015. Collection method: clinical testing. Allele origin: unknown. Affected: yes. Observed: 1 heterozygote.
Comment: Frameshift: predicted to result in a loss or disruption of normal protein function through nonsense-mediated decay (NMD) or protein truncation. Multiple pathogenic variants are reported downstream of the variant (PVS1_VS). It is not observed in the gnomAD v2.1.1 dataset (PM2). Therefore, this variant is classified as likely pathogenic according to the recommendation of ACMG/AMP guideline.

NM_014271.4(IL1RAPL1):c.1075del (p.Glu359fs)

Gene: IL1RAPL1 (interleukin 1 receptor accessory protein like 1; plus strand). Cytogenetic location: Xp21.2.
Variant type: Deletion.
Coding change: c.1075del on transcript NM_014271.4 (MANE Select); coding-DNA position 1075, one base deleted (G; older notation c.1075delG).
Protein change: p.Glu359fs; shifts the reading frame from glutamic acid 359.
Molecular consequence: frameshift variant.
Genome position (GRCh38, 1-based): chrX:29,941,668, G deleted; the last of 2 consecutive G bases (chrX:29,941,667-29,941,668); deleting either gives the same sequence. VCF-style (leftmost placement, unchanged base first): chrX-29941666-TG-T. GRCh37 (hg19) VCF-style: chrX-29959783-TG-T.
Other names: short protein forms E359fs.
Identifiers: ClinVar variation 1320221 (VCV001320221.1), dbSNP rs2147251555, ClinGen allele CA2573055239.